The following is an entry in ClinVar:

NM_001128205.2(SULF1):c.2154G>T (p.Glu718Asp)

Gene: SULF1 (sulfatase 1; plus strand). Cytogenetic location: 8q13.3.
Variant type: single nucleotide variant.
Coding change: c.2154G>T on transcript NM_001128205.2 (MANE Select); coding-DNA position 2154, G replaced by T.
Protein change: p.Glu718Asp; replaces glutamic acid 718 with aspartic acid.
Molecular consequence: missense variant. On other transcripts: non-coding transcript variant (3).
Genome position (GRCh38, 1-based): chr8:69,629,549, G>T. VCF-style: chr8-69629549-G-T. GRCh37 (hg19) VCF-style: chr8-70541784-G-T.
Other names: c.2154G>T (NM_001128205.1); c.2154G>T, p.Glu718Asp (NM_001128204.2, NM_001128206.2, NM_015170.3); short protein forms E718D.
Identifiers: ClinVar variation 1370583 (VCV001370583.7), dbSNP rs765404290, ClinGen allele CA178308426.

ClinVar aggregate classification (germline): Uncertain significance. Review status: criteria provided, multiple submitters, no conflicts (2 of 4 stars). 2 submissions from 2 submitters: Uncertain significance (2). Last evaluated 2025-03-06.

Allele frequency attached by ClinVar (database versions not stated): gnomAD 0.00001; gnomAD exomes 0.00001; TOPMed 0.00001.
gnomAD v4.1: 18 of 1,613,868 alleles (0.0011%); highest among the groups gnomAD compares: Admixed American, 0.0033%; no homozygotes.

Submissions (2):

Ambry Genetics
Classification: Uncertain significance. Last evaluated: 2025-03-06. Review status: criteria provided, single submitter. Criteria: Ambry Variant Classification Scheme 2023. Collection method: clinical testing. Allele origin: germline.

Labcorp Genetics (formerly Invitae), Labcorp
Classification: Uncertain significance. Last evaluated: 2024-03-01. Review status: criteria provided, single submitter. Criteria: Invitae Variant Classification Sherloc (09022015). Collection method: clinical testing. Allele origin: germline.
Comment: This sequence change replaces glutamic acid, which is acidic and polar, with aspartic acid, which is acidic and polar, at codon 718 of the SULF1 protein (p.Glu718Asp). This variant is present in population databases (rs765404290, gnomAD 0.006%). This variant has not been reported in the literature in individuals affected with SULF1-related conditions. ClinVar contains an entry for this variant (Variation ID: 1370583). An algorithm developed to predict the effect of missense changes on protein structure and function (PolyPhen-2) suggests that this variant is likely to be tolerated. In summary, the available evidence is currently insufficient to determine the role of this variant in disease. Therefore, it has been classified as a Variant of Uncertain Significance.